The following is an entry in ClinVar:

NC_000016.9:g.(?_23464127)_(23635435_?)del

Genes: COG7 (component of oligomeric golgi complex 7; minus strand), EARS2 (glutamyl-tRNA synthetase 2, mitochondrial; minus strand), GGA2 (golgi associated, gamma adaptin ear containing, ARF binding protein 2; minus strand), NDUFAB1 (NADH:ubiquinone oxidoreductase subunit AB1; minus strand), PALB2 (partner and localizer of BRCA2; minus strand) and 1 more. Cytogenetic location: 16p12.2.
Variant type: Deletion.
Identifiers: ClinVar variation 1460044 (VCV001460044.5).

ClinVar aggregate classification (germline): Pathogenic (1 of 4 stars; one submission).

Submission:

Labcorp Genetics (formerly Invitae), Labcorp
Classification: Pathogenic. Last evaluated: 2021-12-02. Review status: criteria provided, single submitter. Criteria: Invitae Variant Classification Sherloc (09022015). Collection method: clinical testing. Allele origin: germline.
Comment: For these reasons, this variant has been classified as Pathogenic. This variant has not been reported in the literature in individuals affected with EARS2-related conditions. A gross deletion of the genomic region encompassing the full coding sequence of the EARS2 gene has been identified. Loss-of-function variants in EARS2 are known to be pathogenic (PMID: 22492562). The boundaries of this event are unknown as they extend beyond the assayed region for this gene and therefore may encompass additional genes.

Literature cited by the submitters: PubMed 22492562.